The following is an entry in ClinVar:

NC_000015.9:g.(?_48722848)_(48723019_?)del

Gene: FBN1 (fibrillin 1; minus strand). Cytogenetic location: 15q21.1.
Variant type: Deletion.
Identifiers: ClinVar variation 3243714 (VCV003243714.1).

ClinVar aggregate classification (germline): Pathogenic (1 of 4 stars; one submission).

Conditions:
Marfan syndrome (MFS). Also called: MARFAN SYNDROME, TYPE I; Marfan syndrome type 1; Marfan's syndrome; Marfan syndrome, classic; FBN1-Related Marfan Syndrome. Identifiers: Orphanet 284963, Orphanet 558, MedGen C0024796, MONDO:0007947, OMIM 154700.
Familial thoracic aortic aneurysm and aortic dissection (TAAD). Also called: Thoracic aortic aneurysms and dissections. Identifiers: Orphanet 91387, MedGen C4707243, MONDO:0019625.

Submission:

Labcorp Genetics (formerly Invitae), Labcorp
Classification: Pathogenic for Marfan syndrome; Familial thoracic aortic aneurysm and aortic dissection. Last evaluated: 2022-11-09. Review status: criteria provided, single submitter. Criteria: Invitae Variant Classification Sherloc (09022015). Collection method: clinical testing. Allele origin: unknown.
Comment: For these reasons, this variant has been classified as Pathogenic. This variant affects a cysteine residue in the EGF-like, TGFBP or hybrid motif domains of FBN1. Cysteine residues are believed to be involved in intramolecular disulfide bridges and have been shown to be important for FBN1 protein structure (PMID: 16905551, 19349279). In addition, missense substitutions affecting cysteine residues within these domains are significantly overrepresented among patients with Marfan syndrome (PMID: 16571647, 17701892). A similar copy number variant has been observed in individual(s) with Marfan syndrome (PMID: 30286810). This variant is a gross deletion of the genomic region encompassing exon(s) 56 of the FBN1 gene. This variant would be expected to be in-frame, preserving the integrity of the reading frame.

Literature cited by the submitters: PubMed 16905551; PubMed 19349279; PubMed 16571647; PubMed 17701892; PubMed 30286810.